The following is an entry in ClinVar:

ClinVar aggregate classification (germline): Likely benign. Review status: criteria provided, multiple submitters, no conflicts (2 of 4 stars). 2 submissions from 2 submitters: Likely benign (2). Last evaluated 2025-11-11.

Conditions:
Cryopyrin associated periodic syndrome (CAPS). Identifiers: Orphanet 208650, MedGen C2316212, MONDO:0016168.

Allele frequency attached by ClinVar (database versions not stated): gnomAD exomes 0.00001 and 0.00002; ExAC 0.00005; TOPMed 0.00009; gnomAD 0.00012 and 0.00013; ESP Exome Variant Server 0.00031.
gnomAD v4.1: 28 of 1,612,382 alleles (0.0017%); highest among the groups gnomAD compares: African/African-American, 0.036%; no homozygotes.

Submissions (2):

Labcorp Genetics (formerly Invitae), Labcorp
Classification: Likely benign for Cryopyrin associated periodic syndrome. Last evaluated: 2025-11-11. Review status: criteria provided, single submitter. Criteria: Invitae Variant Classification Sherloc (09022015). Collection method: clinical testing. Allele origin: germline.

GeneDx
Classification: Likely benign. Last evaluated: 2016-11-25. Review status: criteria provided, single submitter. Criteria: GeneDx Variant Classification (06012015). Collection method: clinical testing. Allele origin: germline. Affected: yes.
Comment: This variant is considered likely benign or benign based on one or more of the following criteria: it is a conservative change, it occurs at a poorly conserved position in the protein, it is predicted to be benign by multiple in silico algorithms, and/or has population frequency not consistent with disease.

NM_001243133.2(NLRP3):c.249G>A (p.Glu83=)

Gene: NLRP3 (NLR family pyrin domain containing 3; plus strand). Cytogenetic location: 1q44.
Variant type: single nucleotide variant.
Coding change: c.249G>A on transcript NM_001243133.2 (MANE Select); coding-DNA position 249, G replaced by A.
Protein change: p.Glu83=; no amino-acid change (glutamic acid 83 retained).
Molecular consequence: synonymous variant.
Genome position (GRCh38, 1-based): chr1:247,419,049, G>A. VCF-style: chr1-247419049-G-A. GRCh37 (hg19) VCF-style: chr1-247582351-G-A.
Other names: c.249G>A, p.Glu83= (NM_001079821.3, NM_001127461.3, NM_001127462.3 and 1 more transcripts); c.255G>A, p.Glu85= (NM_004895.5).
Identifiers: ClinVar variation 380686 (VCV000380686.4), dbSNP rs375070491, ClinGen allele CA1494773.